The following is an entry in ClinVar:

ClinVar aggregate classification (germline): Likely pathogenic (1 of 4 stars; one submission).

Submission:

CeGaT Center for Human Genetics Tuebingen
Classification: Likely pathogenic. Last evaluated: 2026-09-01. Review status: criteria provided, single submitter. Criteria: CeGaT Center For Human Genetics Tuebingen Variant Classification Criteria Version 2. Collection method: clinical testing. Allele origin: germline. Affected: yes. Observed: 1 variant allele.
Comment: PKP2: PM2, PS1:Moderate, PVS1:Moderate

NM_001005242.3(PKP2):c.1A>C (p.Met1Leu)

Gene: PKP2 (plakophilin 2; minus strand). Cytogenetic location: 12p11.21.
Variant type: single nucleotide variant.
Coding change: c.1A>C on transcript NM_001005242.3 (MANE Select); coding-DNA position 1, A replaced by C.
Protein change: p.Met1Leu; changes the start codon (methionine 1).
Molecular consequence: missense variant, initiator codon variant.
Genome position (GRCh38, 1-based): chr12:32,896,731, T>G on the plus strand (A>C on the coding strand, the complement: PKP2 is on the minus strand). VCF-style: chr12-32896731-T-G. GRCh37 (hg19) VCF-style: chr12-33049665-T-G.
Other names: c.1A>C, p.Met1Leu (NM_004572.4); short protein forms M1L.
Identifiers: ClinVar variation 1335099 (VCV001335099.36), dbSNP rs794729107, ClinGen allele CA384371855.